The following is an entry in ClinVar:

ClinVar aggregate classification (germline): Likely pathogenic. Review status: criteria provided, multiple submitters, no conflicts (2 of 4 stars). 2 submissions from 2 submitters: Likely pathogenic (2). Last evaluated 2024-07-01.

Allele frequency attached by ClinVar (database versions not stated): gnomAD exomes below 0.00001; TOPMed below 0.00001; ExAC 0.00001.
gnomAD v4.1: 1 of 1,613,502 alleles (0.000062%); highest among the groups gnomAD compares: Non-Finnish European, 0.000085%; no homozygotes.

Submissions (2):

Labcorp Genetics (formerly Invitae), Labcorp
Classification: Likely pathogenic. Last evaluated: 2024-07-01. Review status: criteria provided, single submitter. Criteria: Invitae Variant Classification Sherloc (09022015). Collection method: clinical testing. Allele origin: germline.
Comment: This sequence change affects an acceptor splice site in intron 16 of the LZTR1 gene. It is expected to disrupt RNA splicing. Variants that disrupt the donor or acceptor splice site typically lead to a loss of protein function (PMID: 16199547), and loss-of-function variants in LZTR1 are known to be pathogenic (PMID: 24362817, 25335493, 25480913, 25795793, 29469822, 30368668, 30442762, 30442766, 30481304, 30859559). This variant is present in population databases (rs768770438, gnomAD 0.0009%). This variant has not been reported in the literature in individuals affected with LZTR1-related conditions. ClinVar contains an entry for this variant (Variation ID: 1472100). Algorithms developed to predict the effect of sequence changes on RNA splicing suggest that this variant may disrupt the consensus splice site. In summary, the currently available evidence indicates that the variant is pathogenic, but additional data are needed to prove that conclusively. Therefore, this variant has been classified as Likely Pathogenic.

Clinical Genetics Laboratory, Skane University Hospital Lund
Classification: Likely pathogenic. Last evaluated: 2024-03-05. Review status: criteria provided, single submitter. Criteria: ACMG Guidelines, 2015. Collection method: clinical testing. Allele origin: germline. Affected: yes.

Literature cited by the submitters: PubMed 16199547 (cited by Labcorp Genetics (formerly Invitae), Labcorp); PubMed 24362817 (cited by Labcorp Genetics (formerly Invitae), Labcorp); PubMed 25335493 (cited by Labcorp Genetics (formerly Invitae), Labcorp); PubMed 25480913 (cited by Labcorp Genetics (formerly Invitae), Labcorp); PubMed 25795793 (cited by Labcorp Genetics (formerly Invitae), Labcorp); PubMed 29469822 (cited by Labcorp Genetics (formerly Invitae), Labcorp); PubMed 30368668 (cited by Labcorp Genetics (formerly Invitae), Labcorp); PubMed 30442762 (cited by Labcorp Genetics (formerly Invitae), Labcorp); PubMed 30442766 (cited by Labcorp Genetics (formerly Invitae), Labcorp); PubMed 30481304 (cited by Labcorp Genetics (formerly Invitae), Labcorp); PubMed 30859559 (cited by Labcorp Genetics (formerly Invitae), Labcorp).

NM_006767.4(LZTR1):c.1943-2A>G

Gene: LZTR1 (leucine zipper like post translational regulator 1; plus strand). Cytogenetic location: 22q11.21.
Variant type: single nucleotide variant.
Coding change: c.1943-2A>G on transcript NM_006767.4 (MANE Select); the canonical splice acceptor site of the intron before coding-DNA position 1943, A replaced by G.
Molecular consequence: splice acceptor variant.
Genome position (GRCh38, 1-based): chr22:20,995,744, A>G. VCF-style: chr22-20995744-A-G. GRCh37 (hg19) VCF-style: chr22-21350033-A-G.
Identifiers: ClinVar variation 1472100 (VCV001472100.7), dbSNP rs768770438, ClinGen allele CA10119167.